The following is an entry in ClinVar:

ClinVar aggregate classification (germline): Uncertain significance (1 of 4 stars; one submission).

Submission:

GeneDx
Classification: Uncertain significance. Last evaluated: 2025-12-26. Review status: criteria provided, single submitter. Criteria: GeneDx Variant Classification Process June 2021. Collection method: clinical testing. Allele origin: germline. Affected: yes.
Comment: Not observed at significant frequency in large population cohorts (gnomAD); In silico analysis supports that this missense variant has a deleterious effect on protein structure/function; Has not been previously published as pathogenic or benign to our knowledge

NM_032603.5(LOXL3):c.1781C>A (p.Pro594His)

Gene: LOXL3 (lysyl oxidase like 3; minus strand). Cytogenetic location: 2p13.1.
Variant type: single nucleotide variant.
Coding change: c.1781C>A on transcript NM_032603.5 (MANE Select); coding-DNA position 1781, C replaced by A.
Protein change: p.Pro594His; replaces proline 594 with histidine.
Molecular consequence: missense variant.
Genome position (GRCh38, 1-based): chr2:74,534,573, G>T on the plus strand (C>A on the coding strand, the complement: LOXL3 is on the minus strand). VCF-style: chr2-74534573-G-T. GRCh37 (hg19) VCF-style: chr2-74761700-G-T.
Other names: c.1346C>A, p.Pro449His (NM_001289164.3); c.698C>A, p.Pro233His (NM_001289165.2); short protein forms P233H, P449H, P594H.
Identifiers: ClinVar variation 2446588 (VCV002446588.2), dbSNP rs991535122, ClinGen allele CA347385694.
Genomic context (GRCh38, chr2:74,534,573, plus strand): 5'-GACTCCCTACCCTCTCACCCATGGCACTCGTGCCACACCCAGGAGTGGCGCCCAGCCTTG[G>T]GCCTGAAGTCAGCTCGTCCCAGGTTGTGGATCTGGGAGGAGAATCGGAGCAGACGCCGGT-3'
Protein context (NP_115992.1, residues 584-604): IHNLGRADFR[Pro594His]KAGRHSWVWH